The following is an entry in ClinVar:

NM_014991.6(WDFY3):c.7974A>G (p.Val2658=)

Gene: WDFY3 (WD repeat and FYVE domain containing 3; minus strand). Cytogenetic location: 4q21.23.
Variant type: single nucleotide variant.
Coding change: c.7974A>G on transcript NM_014991.6 (MANE Select); coding-DNA position 7974, A replaced by G.
Protein change: p.Val2658=; no amino-acid change (valine 2658 retained).
Molecular consequence: synonymous variant.
Genome position (GRCh38, 1-based): chr4:84,713,227, T>C on the plus strand (A>G on the coding strand, the complement: WDFY3 is on the minus strand). VCF-style: chr4-84713227-T-C. GRCh37 (hg19) VCF-style: chr4-85634380-T-C.
Identifiers: ClinVar variation 2654863 (VCV002654863.24), dbSNP rs1342346292, ClinGen allele CA440120121.

ClinVar aggregate classification (germline): Likely benign (1 of 4 stars; one submission).

Allele frequency attached by ClinVar (database versions not stated): gnomAD exomes below 0.00001.
gnomAD v4.1: 1 of 1,614,162 alleles (0.000062%); highest among the groups gnomAD compares: Non-Finnish European, 0.000085%; no homozygotes.

Submission:

CeGaT Center for Human Genetics Tuebingen
Classification: Likely benign. Last evaluated: 2023-06-01. Review status: criteria provided, single submitter. Criteria: CeGaT Center For Human Genetics Tuebingen Variant Classification Criteria Version 2. Collection method: clinical testing. Allele origin: germline. Affected: yes. Observed: 2 variant alleles.
Comment: WDFY3: BP4, BP7